The following is an entry in ClinVar:

NM_004727.3(SLC24A1):c.1396T>C (p.Phe466Leu)

Gene: SLC24A1 (solute carrier family 24 member 1; plus strand). Cytogenetic location: 15q22.31.
Variant type: single nucleotide variant.
Coding change: c.1396T>C on transcript NM_004727.3 (MANE Select); coding-DNA position 1396, T replaced by C.
Protein change: p.Phe466Leu; replaces phenylalanine 466 with leucine.
Molecular consequence: missense variant.
Genome position (GRCh38, 1-based): chr15:65,625,476, T>C. VCF-style: chr15-65625476-T-C. GRCh37 (hg19) VCF-style: chr15-65917814-T-C.
Other names: c.1396T>C, p.Phe466Leu (NM_001301031.1, NM_001301032.1, NM_001301033.2); short protein forms F466L.
Identifiers: ClinVar variation 936393 (VCV000936393.9), dbSNP rs771952495, ClinGen allele CA7619898.

ClinVar aggregate classification (germline): Uncertain significance (1 of 4 stars; one submission).

Allele frequency attached by ClinVar (database versions not stated): gnomAD exomes below 0.00001 and 0.00001; ExAC 0.00001; gnomAD 0.00001; TOPMed 0.00002.
gnomAD v4.1: 3 of 1,613,852 alleles (0.00019%); highest among the groups gnomAD compares: African/African-American, 0.004%; no homozygotes.

Submission:

Labcorp Genetics (formerly Invitae), Labcorp
Classification: Uncertain significance. Last evaluated: 2022-03-10. Review status: criteria provided, single submitter. Criteria: Invitae Variant Classification Sherloc (09022015). Collection method: clinical testing. Allele origin: germline.
Comment: This variant is present in population databases (rs771952495, gnomAD 0.007%). This sequence change replaces phenylalanine, which is neutral and non-polar, with leucine, which is neutral and non-polar, at codon 466 of the SLC24A1 protein (p.Phe466Leu). This variant has not been reported in the literature in individuals affected with SLC24A1-related conditions. In summary, the available evidence is currently insufficient to determine the role of this variant in disease. Therefore, it has been classified as a Variant of Uncertain Significance. Algorithms developed to predict the effect of missense changes on protein structure and function are either unavailable or do not agree on the potential impact of this missense change (SIFT: "Deleterious"; PolyPhen-2: "Possibly Damaging"; Align-GVGD: "Class C15"). ClinVar contains an entry for this variant (Variation ID: 936393).